The following is an entry in ClinVar:

ClinVar aggregate classification (germline): Uncertain significance (1 of 4 stars; one submission).

Conditions:
Hereditary cancer-predisposing syndrome. Also called: Neoplastic Syndromes, Hereditary; Tumor predisposition; Hereditary neoplastic syndrome; Hereditary Cancer Syndrome. Identifiers: Orphanet 140162, MedGen C0027672, MeSH D009386, MONDO:0015356.

Submission:

Ambry Genetics
Classification: Uncertain significance for Hereditary cancer-predisposing syndrome. Last evaluated: 2023-12-24. Review status: criteria provided, single submitter. Criteria: Ambry Variant Classification Scheme 2023. Collection method: clinical testing. Allele origin: germline.
Comment: The p.L435S variant (also known as c.1304T>C), located in coding exon 11 of the SUFU gene, results from a T to C substitution at nucleotide position 1304. The leucine at codon 435 is replaced by serine, an amino acid with dissimilar properties. This amino acid position is conserved. In addition, this alteration is predicted to be deleterious by in silico analysis. Since supporting evidence is limited at this time, the clinical significance of this alteration remains unclear.

NM_016169.4(SUFU):c.1304T>C (p.Leu435Ser)

Gene: SUFU (SUFU negative regulator of hedgehog signaling; plus strand). Cytogenetic location: 10q24.32.
Variant type: single nucleotide variant.
Coding change: c.1304T>C on transcript NM_016169.4 (MANE Select); coding-DNA position 1304, T replaced by C.
Protein change: p.Leu435Ser; replaces leucine 435 with serine.
Molecular consequence: missense variant.
Genome position (GRCh38, 1-based): chr10:102,627,182, T>C. VCF-style: chr10-102627182-T-C. GRCh37 (hg19) VCF-style: chr10-104386939-T-C.
Other names: short protein forms L435S.
Identifiers: ClinVar variation 3226867 (VCV003226867.1), dbSNP rs2492836672, ClinGen allele CA377918703.